The following is an entry in ClinVar:

NM_007294.4(BRCA1):c.213-485T>G

Gene: BRCA1 (BRCA1 DNA repair associated; minus strand). Cytogenetic location: 17q21.31.
Variant type: single nucleotide variant.
Coding change: c.213-485T>G on transcript NM_007294.4 (MANE Select); 485 bases into the intron before coding-DNA position 213, T replaced by G.
Molecular consequence: intron variant.
Genome position (GRCh38, 1-based): chr17:43,105,441, A>C on the plus strand (T>G on the coding strand, the complement: BRCA1 is on the minus strand). VCF-style: chr17-43105441-A-C. GRCh37 (hg19) VCF-style: chr17-41257458-A-C.
Other names: IVS 5-485T>G; c.3-485T>G (NM_001408481.1, NM_001408480.1, NM_001407909.1 and 58 more transcripts); c.213-485T>G (NM_001408408.1, NM_001407647.1, NM_001408446.1 and 167 more transcripts); c.72-485T>G (NM_001408468.1, NM_001407842.1, NM_001407749.1 and 99 more transcripts); c.-218-10581T>G (NM_001407966.1, NM_001407967.1); c.-169-485T>G (NM_001407963.1, NM_001407960.1, NM_001407965.1 and 4 more transcripts); c.135-485T>G (NM_001408413.1, NM_001407660.1, NM_001407661.1 and 21 more transcripts); c.81-485T>G (NM_001408451.1).
Identifiers: ClinVar variation 209489 (VCV000209489.2), dbSNP rs8176133, ClinGen allele CA276459.

ClinVar aggregate classification (germline): Benign (3 of 4 stars; one submission).

Conditions:
Breast-ovarian cancer, familial, susceptibility to, 1 (BROVCA1). Also called: BRCA1 Hereditary Breast and Ovarian Cancer; OVARIAN CANCER, SUSCEPTIBILITY TO. Identifiers: Orphanet 145, MedGen C2676676, MONDO:0011450, OMIM 604370. Disease mechanism: loss of function.

Allele frequency attached by ClinVar (database versions not stated): TOPMed 0.28442; gnomAD 0.30117; 1000 Genomes Project 30x 0.33011; 1000 Genomes Project 0.33586.

Submission:

Evidence-based Network for the Interpretation of Germline Mutant Alleles (ENIGMA)
Classification: Benign for Breast-ovarian cancer, familial 1. Last evaluated: 2015-01-12. Review status: reviewed by expert panel. Criteria: ENIGMA BRCA1/2 Classification Criteria (2015). Collection method: curation. Allele origin: germline.
Comment: Class 1 not pathogenic based on frequency >1% in an outbred sampleset. Frequency 0.3304 (Asian), 0.128 (African), 0.3575 (European), derived from 1000 genomes (2012-04-30).